The following is an entry in ClinVar:

NM_144573.4(NEXN):c.362C>A (p.Thr121Lys)

Genes: NEXN (nexilin F-actin binding protein; plus strand), LOC126805765 (BRD4-independent group 4 enhancer GRCh37_chr1:78383688-78384887; plus strand). Cytogenetic location: 1p31.1.
Variant type: single nucleotide variant.
Coding change: c.362C>A on transcript NM_144573.4 (MANE Select); coding-DNA position 362, C replaced by A.
Protein change: p.Thr121Lys; replaces threonine 121 with lysine.
Molecular consequence: missense variant.
Genome position (GRCh38, 1-based): chr1:77,918,188, C>A. VCF-style: chr1-77918188-C-A. GRCh37 (hg19) VCF-style: chr1-78383873-C-A.
Other names: c.170C>A, p.Thr57Lys (NM_001172309.2); short protein forms T121K, T57K.
Identifiers: ClinVar variation 2428457 (VCV002428457.9), dbSNP rs755475702, ClinGen allele CA340886559.

ClinVar aggregate classification (germline): Uncertain significance. Review status: criteria provided, multiple submitters, no conflicts (2 of 4 stars). 2 submissions from 2 submitters: Uncertain significance (2). Last evaluated 2025-12-09.

Conditions:
Dilated cardiomyopathy 1CC (CMD1CC). Identifiers: Orphanet 154, MedGen C2751084, MONDO:0013147, OMIM 613122.
Hypertrophic cardiomyopathy 20. Identifiers: MedGen C3151267, MONDO:0013477, OMIM 613876.

gnomAD v4.1: 1 of 1,613,224 alleles (0.000062%); highest among the groups gnomAD compares: Non-Finnish European, 0.000085%; no homozygotes.

Submissions (2):

Dasa
Classification: Uncertain significance. Last evaluated: 2025-12-09. Review status: criteria provided, single submitter. Criteria: DASA Assertion Criteria. Collection method: clinical testing. Allele origin: germline.
Comment: NM_144573.4(NEXN):c.362C>A (p.Thr121Lys) is a missense variant that results in the substitution of threonine with lysine. This variant is rare in population databases. The currently available literature and clinical evidence are not sufficient to establish a definitive association between this variant and the reported condition. Therefore, this variant is classified as a variant of uncertain significance.

Labcorp Genetics (formerly Invitae), Labcorp
Classification: Uncertain significance for Dilated cardiomyopathy 1CC; Hypertrophic cardiomyopathy 20. Last evaluated: 2022-04-28. Review status: criteria provided, single submitter. Criteria: Invitae Variant Classification Sherloc (09022015). Collection method: clinical testing. Allele origin: germline.
Comment: This sequence change replaces threonine, which is neutral and polar, with lysine, which is basic and polar, at codon 121 of the NEXN protein (p.Thr121Lys). In summary, the available evidence is currently insufficient to determine the role of this variant in disease. Therefore, it has been classified as a Variant of Uncertain Significance. Algorithms developed to predict the effect of missense changes on protein structure and function (SIFT, PolyPhen-2, Align-GVGD) all suggest that this variant is likely to be tolerated. This variant has not been reported in the literature in individuals affected with NEXN-related conditions. This variant is not present in population databases (gnomAD no frequency).